The following is an entry in ClinVar:

ClinVar aggregate classification (germline): Uncertain significance. Review status: criteria provided, multiple submitters, no conflicts (2 of 4 stars). 3 submissions from 3 submitters: Uncertain significance (3). Last evaluated 2026-02-06.

Conditions:
Hereditary cancer-predisposing syndrome. Also called: Hereditary Cancer Syndrome; Neoplastic Syndromes, Hereditary; Tumor predisposition; Hereditary neoplastic syndrome. Identifiers: Orphanet 140162, MedGen C0027672, MeSH D009386, MONDO:0015356.
Ataxia-telangiectasia syndrome (AT). Also called: Cerebello-oculocutaneous telangiectasia; Immunodeficiency with ataxia telangiectasia; Ataxia-telangiectasia, complementation group E; Ataxia-telangiectasia, complementation group D; AT, COMPLEMENTATION GROUP C; ATAXIA-TELANGIECTASIA, COMPLEMENTATION GROUP A. Identifiers: Orphanet 100, MedGen C0004135, MONDO:0008840, OMIM 208900.

Submissions (3):

Ambry Genetics
Classification: Uncertain significance for Hereditary cancer-predisposing syndrome. Last evaluated: 2026-02-06. Review status: criteria provided, single submitter. Criteria: Ambry Variant Classification Scheme 2023. Collection method: clinical testing. Allele origin: germline.
Comment: The p.T2438P variant (also known as c.7312A>C), located in coding exon 49 of the ATM gene, results from an A to C substitution at nucleotide position 7312. The threonine at codon 2438 is replaced by proline, an amino acid with highly similar properties. This amino acid position is well conserved in available vertebrate species. In addition, the in silico prediction for this alteration is inconclusive. Based on the available evidence, the clinical significance of this variant remains unclear.

Labcorp Genetics (formerly Invitae), Labcorp
Classification: Uncertain significance for Ataxia-telangiectasia syndrome. Last evaluated: 2024-06-15. Review status: criteria provided, single submitter. Criteria: Invitae Variant Classification Sherloc (09022015). Collection method: clinical testing. Allele origin: germline.
Comment: This sequence change replaces threonine, which is neutral and polar, with proline, which is neutral and non-polar, at codon 2438 of the ATM protein (p.Thr2438Pro). This variant is not present in population databases (gnomAD no frequency). This variant has not been reported in the literature in individuals affected with ATM-related conditions. ClinVar contains an entry for this variant (Variation ID: 581593). An algorithm developed to predict the effect of missense changes on protein structure and function (PolyPhen-2) suggests that this variant is likely to be disruptive. In summary, the available evidence is currently insufficient to determine the role of this variant in disease. Therefore, it has been classified as a Variant of Uncertain Significance.

Color Diagnostics, LLC DBA Color Health
Classification: Uncertain significance for Hereditary cancer-predisposing syndrome. Last evaluated: 2023-02-26. Review status: criteria provided, single submitter. Criteria: ACMG Guidelines, 2015. Collection method: clinical testing. Allele origin: germline.
Comment: This missense variant replaces threonine with proline at codon 2438 of the ATM protein. Computational prediction suggests that this variant may have deleterious impact on protein structure and function (internally defined REVEL score threshold >= 0.7, PMID: 27666373). To our knowledge, functional studies have not been reported for this variant. This variant has not been reported in individuals affected with ATM-related disorders in the literature. This variant has not been identified in the general population by the Genome Aggregation Database (gnomAD). The available evidence is insufficient to determine the role of this variant in disease conclusively. Therefore, this variant is classified as a Variant of Uncertain Significance.

NM_000051.4(ATM):c.7312A>C (p.Thr2438Pro)

Genes: ATM (ATM serine/threonine kinase; plus strand), C11orf65 (chromosome 11 open reading frame 65; minus strand). Cytogenetic location: 11q22.3.
Variant type: single nucleotide variant.
Coding change: c.7312A>C on transcript NM_000051.4 (MANE Select); coding-DNA position 7312, A replaced by C.
Protein change: p.Thr2438Pro; replaces threonine 2438 with proline.
Molecular consequence: missense variant. On other transcripts: intron variant (2).
Genome position (GRCh38, 1-based): chr11:108,330,218, A>C. VCF-style: chr11-108330218-A-C. GRCh37 (hg19) VCF-style: chr11-108200945-A-C.
Other names: c.7312A>C, p.Thr2438Pro (NM_001351834.2); c.641-21147T>G (NM_001330368.2); c.*38+5002T>G (NM_001351110.2); short protein forms T2438P.
Identifiers: ClinVar variation 581593 (VCV000581593.10), dbSNP rs1565529248, ClinGen allele CA382559867.
Genomic context (GRCh38, chr11:108,330,218, plus strand): 5'-TGTAGTTCTGTTAAAGTTCATGGCTTTTGTGTTTTACCTTAATTATTCTATGCAAGATAC[A>C]CAGTAAAGGTTCAGCGAGAGCTGGAGTTGGATGAATTAGCCCTGCGTGCACTGAAAGAGG-3'
Protein context (NP_000042.3, residues 2428-2448): REHKIQTNRY[Thr2438Pro]VKVQRELELD